The following is an entry in ClinVar:

ClinVar aggregate classification (germline): Uncertain significance (1 of 4 stars; one submission).

Conditions:
Inborn genetic diseases. Identifiers: MedGen C0950123, MeSH D030342.

Submission:

Ambry Genetics
Classification: Uncertain significance for Inborn genetic diseases. Last evaluated: 2025-07-25. Review status: criteria provided, single submitter. Criteria: Ambry Variant Classification Scheme 2023. Collection method: clinical testing. Allele origin: germline.
Comment: The p.K2045N variant (also known as c.6135A>T), located in coding exon 23 of the FANCM gene, results from an A to T substitution at nucleotide position 6135. The lysine at codon 2045 is replaced by asparagine, an amino acid with similar properties. This amino acid position is conserved. In addition, this alteration is predicted to be tolerated by in silico analysis. Based on the available evidence, the clinical significance of this variant remains unclear.

NM_020937.4(FANCM):c.6135A>T (p.Lys2045Asn)

Gene: FANCM (FA complementation group M; plus strand). Cytogenetic location: 14q21.2.
Variant type: single nucleotide variant.
Coding change: c.6135A>T on transcript NM_020937.4 (MANE Select); coding-DNA position 6135, A replaced by T.
Protein change: p.Lys2045Asn; replaces lysine 2045 with asparagine.
Molecular consequence: missense variant.
Genome position (GRCh38, 1-based): chr14:45,199,996, A>T. VCF-style: chr14-45199996-A-T. GRCh37 (hg19) VCF-style: chr14-45669199-A-T.
Other names: c.6057A>T, p.Lys2019Asn (NM_001308133.2); short protein forms K2045N, K2019N.
Identifiers: ClinVar variation 4254613 (VCV004254613.1).
Genomic context (GRCh38, chr14:45,199,996, plus strand): 5'-TATTCACTATGTATTTGACATACAAATGTTACCAAATGATCTTAACCAAGATAGACTGAA[A>T]TCTGATATATAATCAAGCTGCTCAAGATGGGGTTTTCAAAGACCTCTCACAATATTAAAT-3'
Protein context (NP_065988.1, residues 2035-2048): LPNDLNQDRL[Lys2045Asn]SDI